The following is an entry in ClinVar:

NM_002336.3(LRP6):c.874_875del (p.Gly292fs)

Gene: LRP6 (LDL receptor related protein 6; minus strand). Cytogenetic location: 12p13.2.
Variant type: Deletion.
Coding change: c.874_875del on transcript NM_002336.3 (MANE Select); coding-DNA positions 874 to 875, 2 bases deleted (GG; older notation c.874_875delGG).
Protein change: p.Gly292fs; shifts the reading frame from glycine 292.
Molecular consequence: frameshift variant.
Genome position (GRCh38, 1-based): chr12:12,184,081-12,184,082, CC deleted on the plus strand (GG on the coding strand, the reverse complement: LRP6 is on the minus strand); deleting any 2 consecutive bases within chr12:12,184,081-12,184,085 gives the same sequence; the c. name uses the placement nearest the transcript's 3' end. VCF-style (leftmost placement, unchanged base first): chr12-12184080-ACC-A. GRCh37 (hg19) VCF-style: chr12-12337014-ACC-A.
Other names: short protein forms G292fs.
Identifiers: ClinVar variation 1033504 (VCV001033504.7), dbSNP rs1863410159, ClinGen allele CA2016795310.

ClinVar aggregate classification (germline): Pathogenic (1 of 4 stars; one submission).

Submission:

Labcorp Genetics (formerly Invitae), Labcorp
Classification: Pathogenic. Last evaluated: 2017-11-08. Review status: criteria provided, single submitter. Criteria: Invitae Variant Classification Sherloc (09022015). Collection method: clinical testing. Allele origin: germline.
Comment: For these reasons, this variant has been classified as Pathogenic. Loss-of-function variants in LRP6 are known to be pathogenic (PMID: 26387593). This variant has not been reported in the literature in individuals with LRP6-related disease. This variant is not present in population databases (ExAC no frequency). This sequence change creates a premature translational stop signal (p.Gly292Leufs*86) in the LRP6 gene. It is expected to result in an absent or disrupted protein product.

Literature cited by the submitters: PubMed 26387593.